The following is an entry in ClinVar:

NM_017799.4(TMEM260):c.1783_1795dup (p.Phe599Ter)

Gene: TMEM260 (transmembrane protein 260; plus strand). Cytogenetic location: 14q22.3.
Variant type: Duplication.
Coding change: c.1783_1795dup on transcript NM_017799.4 (MANE Select); coding-DNA positions 1783 to 1795, 13 bases duplicated (AAAACACCGTTCT).
Protein change: p.Phe599Ter; replaces phenylalanine 599 with a stop codon.
Molecular consequence: nonsense.
Genome position (GRCh38, 1-based): chr14:56,636,512-56,636,524, AAAACACCGTTCT duplicated. VCF-style (leftmost placement, unchanged base first): chr14-56636511-G-GAAAACACCGTTCT. GRCh37 (hg19) VCF-style: chr14-57103229-G-GAAAACACCGTTCT.
Other names: short protein forms F599*.
Identifiers: ClinVar variation 1805962 (VCV001805962.1), dbSNP rs2503654780, ClinGen allele CA2573320541.

ClinVar aggregate classification (germline): Pathogenic (1 of 4 stars; one submission).

Conditions:
Structural heart defects and renal anomalies syndrome (SHDRA). Identifiers: Orphanet 689822, MedGen C4479549, MONDO:0044321, OMIM 617478.

Submission:

Victorian Clinical Genetics Services, Murdoch Childrens Research Institute
Classification: Pathogenic for Structural heart defects and renal anomalies syndrome. Last evaluated: 2022-09-02. Review status: criteria provided, single submitter. Criteria: ACMG Guidelines, 2015. Collection method: clinical testing. Allele origin: germline. Inheritance: Autosomal recessive inheritance. Affected: yes.
Comment: Based on the classification scheme VCGS_Germline_v1.3.4, this variant is classified as Pathogenic. Following criteria are met: 0102 - Loss of function is a known mechanism of disease in this gene and is associated with structural heart defects and renal anomalies syndrome (MIM#617478). (I) 0106 - This gene is associated with autosomal recessive disease. (I) 0201 - Variant is predicted to cause nonsense-mediated decay (NMD) and loss of protein (premature termination codon is located at least 54 nucleotides upstream of the final exon-exon junction). (SP) 0252 - This variant is homozygous. (I) 0301 - Variant is absent from gnomAD (both v2 and v3). (SP) 0701 - Other NMD-predicted variants comparable to the one identified in this case have very strong previous evidence for pathogenicity (DECIPHER). (SP) 0807 - This variant has no previous evidence of pathogenicity. (I) 0905 - No published segregation evidence has been identified for this variant. (I) 1007 - No published functional evidence has been identified for this variant. (I) Legend: (SP) - Supporting pathogenic, (I) - Information, (SB) - Supporting benign